The following is an entry in ClinVar:

NM_024996.7(GFM1):c.234+3A>G

Gene: GFM1 (G elongation factor mitochondrial 1; plus strand). Cytogenetic location: 3q25.32.
Variant type: single nucleotide variant.
Coding change: c.234+3A>G on transcript NM_024996.7 (MANE Select); 3 bases into the intron after coding-DNA position 234, A replaced by G.
Molecular consequence: intron variant.
Genome position (GRCh38, 1-based): chr3:158,645,784, A>G. VCF-style: chr3-158645784-A-G. GRCh37 (hg19) VCF-style: chr3-158363573-A-G.
Other names: c.234+3A>G (NM_001308164.2, NM_001374355.1, NM_001374356.1 and 2 more transcripts); c.9+3A>G (NM_001374357.1); c.5+3A>G (NM_001374359.1, NM_001374360.1, NM_001374361.1).
Identifiers: ClinVar variation 4705489 (VCV004705489.1).

ClinVar aggregate classification (germline): Uncertain significance (1 of 4 stars; one submission).

gnomAD v4.1: 18 of 1,607,956 alleles (0.0011%); highest among the groups gnomAD compares: Non-Finnish European, 0.0014%; no homozygotes.

Submission:

Labcorp Genetics (formerly Invitae), Labcorp
Classification: Uncertain significance. Last evaluated: 2025-08-12. Review status: criteria provided, single submitter. Criteria: Invitae Variant Classification Sherloc (09022015). Collection method: clinical testing. Allele origin: germline.
Comment: This sequence change falls in intron 2 of the GFM1 gene. It does not directly change the encoded amino acid sequence of the GFM1 protein. It affects a nucleotide within the consensus splice site. This variant is present in population databases (rs769225403, gnomAD 0.0009%). This variant has not been reported in the literature in individuals affected with GFM1-related conditions. Variants that disrupt the consensus splice site are a relatively common cause of aberrant splicing (PMID: 17576681, 9536098). Algorithms developed to predict the effect of sequence changes on RNA splicing suggest that this variant may disrupt the consensus splice site. In summary, the available evidence is currently insufficient to determine the role of this variant in disease. Therefore, it has been classified as a Variant of Uncertain Significance.

Literature cited by the submitters: PubMed 17576681; PubMed 9536098.